The following is an entry in ClinVar:

ClinVar aggregate classification (germline): Uncertain significance (1 of 4 stars; one submission).

Conditions:
Developmental and epileptic encephalopathy, 42 (DEE42A). Also called: DEVELOPMENTAL AND EPILEPTIC ENCEPHALOPATHY 42A; EPILEPTIC ENCEPHALOPATHY, EARLY INFANTILE, 42A; Epileptic encephalopathy, early infantile, 42. Identifiers: MedGen C4310716, MONDO:0014917, OMIM 617106.
Episodic ataxia type 2 (EA2). Also called: ACETAZOLAMIDE-RESPONSIVE HEREDITARY PAROXYSMAL CEREBELLAR ATAXIA; EPISODIC ATAXIA, NYSTAGMUS-ASSOCIATED; ATAXIA, EPISODIC, WITH NYSTAGMUS; ATAXIA, FAMILIAL PAROXYSMAL; CEREBELLAR ATAXIA, PAROXYSMAL, ACETAZOLAMIDE-RESPONSIVE; CEREBELLOPATHY, HEREDITARY PAROXYSMAL. Identifiers: Orphanet 97, MedGen C1720416, MONDO:0007163, OMIM 108500.

Submission:

Labcorp Genetics (formerly Invitae), Labcorp
Classification: Uncertain significance for Developmental and epileptic encephalopathy, 42; Episodic ataxia type 2. Last evaluated: 2020-06-30. Review status: criteria provided, single submitter. Criteria: Invitae Variant Classification Sherloc (09022015). Collection method: clinical testing. Allele origin: germline.
Comment: This variant has not been reported in the literature in individuals with CACNA1A-related conditions. In summary, the available evidence is currently insufficient to determine the role of this variant in disease. Therefore, it has been classified as a Variant of Uncertain Significance. Algorithms developed to predict the effect of missense changes on protein structure and function are either unavailable or do not agree on the potential impact of this missense change (SIFT: "Tolerated"; PolyPhen-2: "Probably Damaging"; Align-GVGD: "Class C0"). This variant is not present in population databases (ExAC no frequency). This sequence change replaces proline with serine at codon 416 of the CACNA1A protein (p.Pro416Ser). The proline residue is moderately conserved and there is a moderate physicochemical difference between proline and serine.

NM_001127222.2(CACNA1A):c.1246C>T (p.Pro416Ser)

Gene: CACNA1A (calcium voltage-gated channel subunit alpha1 A; minus strand). Cytogenetic location: 19p13.13.
Variant type: single nucleotide variant.
Coding change: c.1246C>T on transcript NM_001127222.2 (MANE Select); coding-DNA position 1246, C replaced by T.
Protein change: p.Pro416Ser; replaces proline 416 with serine.
Molecular consequence: missense variant.
Genome position (GRCh38, 1-based): chr19:13,332,878, G>A on the plus strand (C>T on the coding strand, the complement: CACNA1A is on the minus strand). VCF-style: chr19-13332878-G-A. GRCh37 (hg19) VCF-style: chr19-13443692-G-A.
Other names: c.1246C>T, p.Pro416Ser (NM_000068.4, NM_001127221.2, NM_001174080.2 and 1 more transcripts); short protein forms P416S.
Identifiers: ClinVar variation 1026903 (VCV001026903.9), dbSNP rs371138043, ClinGen allele CA404346267.